The following is an entry in ClinVar:

ClinVar aggregate classification (germline): Uncertain significance (1 of 4 stars; one submission).

Conditions:
Duchenne muscular dystrophy (DMD). Also called: MUSCULAR DYSTROPHY, PSEUDOHYPERTROPHIC PROGRESSIVE, DUCHENNE TYPE; Duchenne Muscular Dystrophy (DMD). Identifiers: Orphanet 98896, MedGen C0013264, MONDO:0010679, OMIM 310200.

Allele frequency attached by ClinVar (database versions not stated): gnomAD exomes below 0.00001; ExAC 0.00001; TOPMed 0.00001.
gnomAD v4.1: 1 of 1,211,528 alleles (0.000083%); highest among the groups gnomAD compares: South Asian, 0.0018%; no homozygotes.

Submission:

Labcorp Genetics (formerly Invitae), Labcorp
Classification: Uncertain significance for Duchenne muscular dystrophy. Last evaluated: 2022-02-13. Review status: criteria provided, single submitter. Criteria: Invitae Variant Classification Sherloc (09022015). Collection method: clinical testing. Allele origin: germline.
Comment: This sequence change replaces lysine, which is basic and polar, with arginine, which is basic and polar, at codon 613 of the DMD protein (p.Lys613Arg). This variant is present in population databases (rs760732984, gnomAD 0.005%). This variant has not been reported in the literature in individuals affected with DMD-related conditions. Algorithms developed to predict the effect of missense changes on protein structure and function are either unavailable or do not agree on the potential impact of this missense change (SIFT: "Tolerated"; PolyPhen-2: "Possibly Damaging"; Align-GVGD: "Class C0"). In summary, the available evidence is currently insufficient to determine the role of this variant in disease. Therefore, it has been classified as a Variant of Uncertain Significance.

NM_004006.3(DMD):c.1838A>G (p.Lys613Arg)

Gene: DMD (dystrophin; minus strand). Cytogenetic location: Xp21.1.
Variant type: single nucleotide variant.
Coding change: c.1838A>G on transcript NM_004006.3 (MANE Select); coding-DNA position 1838, A replaced by G.
Protein change: p.Lys613Arg; replaces lysine 613 with arginine.
Molecular consequence: missense variant.
Genome position (GRCh38, 1-based): chrX:32,565,856, T>C on the plus strand (A>G on the coding strand, the complement: DMD is on the minus strand). VCF-style: chrX-32565856-T-C. GRCh37 (hg19) VCF-style: chrX-32583973-T-C.
Other names: c.1814A>G, p.Lys605Arg (NM_000109.4); c.1826A>G, p.Lys609Arg (NM_004009.3); c.1469A>G, p.Lys490Arg (NM_004010.3); short protein forms K605R, K609R, K613R, K490R.
Identifiers: ClinVar variation 2140388 (VCV002140388.1), dbSNP rs760732984, ClinGen allele CA10379701.